The following is an entry in ClinVar:

ClinVar aggregate classification (germline): Likely benign (1 of 4 stars; one submission).

Allele frequency attached by ClinVar (database versions not stated): ESP Exome Variant Server 0.00115; 1000 Genomes Project 0.00140; 1000 Genomes Project 30x 0.00141; TOPMed 0.00158; ExAC 0.00161; gnomAD 0.00151; gnomAD exomes 0.00194.
gnomAD v4.1: 3,057 of 1,611,492 alleles (0.19%); highest among the groups gnomAD compares: South Asian, 0.32%; 8 homozygotes.

Submission:

CeGaT Center for Human Genetics Tuebingen
Classification: Likely benign. Last evaluated: 2023-09-01. Review status: criteria provided, single submitter. Criteria: CeGaT Center For Human Genetics Tuebingen Variant Classification Criteria Version 2. Collection method: clinical testing. Allele origin: germline. Affected: yes. Observed: 1 variant allele.
Comment: KIAA1614: BP4, BP7

NM_020950.2(KIAA1614):c.3135C>A (p.Ala1045=)

Gene: KIAA1614 (KIAA1614; plus strand). Cytogenetic location: 1q25.3.
Variant type: single nucleotide variant.
Coding change: c.3135C>A on transcript NM_020950.2 (MANE Select); coding-DNA position 3135, C replaced by A.
Protein change: p.Ala1045=; no amino-acid change (alanine 1045 retained).
Molecular consequence: synonymous variant.
Genome position (GRCh38, 1-based): chr1:180,941,261, C>A. VCF-style: chr1-180941261-C-A. GRCh37 (hg19) VCF-style: chr1-180910397-C-A.
Identifiers: ClinVar variation 2639605 (VCV002639605.24), dbSNP rs144194721, ClinGen allele CA1273713.